The following is an entry in ClinVar:

ClinVar aggregate classification (germline): Uncertain significance (1 of 4 stars; one submission).

Allele frequency attached by ClinVar (database versions not stated): TOPMed below 0.00001; ExAC 0.00001; gnomAD 0.00001.

Submission:

GeneDx
Classification: Uncertain significance. Last evaluated: 2022-09-15. Review status: criteria provided, single submitter. Criteria: GeneDx Variant Classification Process June 2021. Collection method: clinical testing. Allele origin: germline. Affected: yes.
Comment: In silico analysis supports that this missense variant does not alter protein structure/function; Has not been previously published as pathogenic or benign to our knowledge

NM_052867.4(NALCN):c.1720G>A (p.Val574Met)

Gene: NALCN (sodium leak channel, non-selective; minus strand). Cytogenetic location: 13q33.1.
Variant type: single nucleotide variant.
Coding change: c.1720G>A on transcript NM_052867.4 (MANE Select); coding-DNA position 1720, G replaced by A.
Protein change: p.Val574Met; replaces valine 574 with methionine.
Molecular consequence: missense variant.
Genome position (GRCh38, 1-based): chr13:101,191,961, C>T on the plus strand (G>A on the coding strand, the complement: NALCN is on the minus strand). VCF-style: chr13-101191961-C-T. GRCh37 (hg19) VCF-style: chr13-101844312-C-T.
Other names: c.1720G>A, p.Val574Met (NM_001350748.2, NM_001350749.2); c.1633G>A, p.Val545Met (NM_001350750.2, NM_001350751.2); short protein forms V545M, V574M.
Identifiers: ClinVar variation 2444735 (VCV002444735.1), dbSNP rs754364368, ClinGen allele CA7036156.